The following is an entry in ClinVar:

ClinVar aggregate classification (germline): Conflicting classifications of pathogenicity. Review status: criteria provided, conflicting classifications (1 of 4 stars). 2 submissions from 2 submitters: Uncertain significance (1); Likely benign (1). Last evaluated 2024-09-11.

Conditions:
Schuurs-Hoeijmakers syndrome. Also called: PACS1-Related Neurodevelopmental Disorder. Identifiers: Orphanet 329224, MedGen C3554343, MONDO:0014006, OMIM 615009.

gnomAD v4.1: 3 of 1,604,964 alleles (0.00019%); highest among the groups gnomAD compares: African/African-American, 0.0027%; no homozygotes.

Submissions (2):

Women's Health and Genetics/Laboratory Corporation of America, LabCorp
Classification: Likely benign. Last evaluated: 2024-09-11. Review status: criteria provided, single submitter. Criteria: LabCorp Variant Classification Summary - May 2015. Collection method: clinical testing. Allele origin: germline.

Labcorp Genetics (formerly Invitae), Labcorp
Classification: Uncertain significance for Schuurs-Hoeijmakers syndrome. Last evaluated: 2024-05-18. Review status: criteria provided, single submitter. Criteria: Invitae Variant Classification Sherloc (09022015). Collection method: clinical testing. Allele origin: germline.
Comment: This sequence change falls in intron 5 of the PACS1 gene. It does not directly change the encoded amino acid sequence of the PACS1 protein. This variant is present in population databases (rs764250718, gnomAD 0.004%). This variant has not been reported in the literature in individuals affected with PACS1-related conditions. Algorithms developed to predict the effect of sequence changes on RNA splicing suggest that this variant may disrupt the consensus splice site. In summary, the available evidence is currently insufficient to determine the role of this variant in disease. Therefore, it has been classified as a Variant of Uncertain Significance.

NM_018026.4(PACS1):c.806-12T>C

Gene: PACS1 (phosphofurin acidic cluster sorting protein 1; plus strand). Cytogenetic location: 11q13.2.
Variant type: single nucleotide variant.
Coding change: c.806-12T>C on transcript NM_018026.4 (MANE Select); 12 bases into the intron before coding-DNA position 806, T replaced by C.
Molecular consequence: intron variant.
Genome position (GRCh38, 1-based): chr11:66,216,508, T>C. VCF-style: chr11-66216508-T-C. GRCh37 (hg19) VCF-style: chr11-65983979-T-C.
Identifiers: ClinVar variation 3374883 (VCV003374883.3).